The following is an entry in ClinVar:

NM_019055.6(ROBO4):c.1437G>A (p.Trp479Ter)

Gene: ROBO4 (roundabout guidance receptor 4; minus strand). Cytogenetic location: 11q24.2.
Variant type: single nucleotide variant.
Coding change: c.1437G>A on transcript NM_019055.6 (MANE Select); coding-DNA position 1437, G replaced by A.
Protein change: p.Trp479Ter; replaces tryptophan 479 with a stop codon.
Molecular consequence: nonsense.
Genome position (GRCh38, 1-based): chr11:124,893,927, C>T on the plus strand (G>A on the coding strand, the complement: ROBO4 is on the minus strand). VCF-style: chr11-124893927-C-T. GRCh37 (hg19) VCF-style: chr11-124763823-C-T.
Other names: c.1002G>A, p.Trp334Ter (NM_001301088.2); c.1437G>A, p.Trp479Ter (NM_001441183.1); short protein forms W479*, W334*.
Identifiers: ClinVar variation 5007813 (VCV005007813.2).

ClinVar aggregate classification (germline): Uncertain significance (1 of 4 stars; one submission).

Conditions:
Aortic valve disease 3. Identifiers: MedGen C5193127, MONDO:0032783, OMIM 618496.

Submission:

Juno Genomics, Hangzhou Juno Genomics, Inc
Classification: Uncertain significance for Aortic valve disease 3. Review status: criteria provided, single submitter. Criteria: ACMG Guidelines, 2015. Collection method: clinical testing. Allele origin: germline.
Comment: Absent from controls (or at extremely low frequency if recessive) in Genome Aggregation Database.